The following is an entry in ClinVar:

ClinVar aggregate classification (germline): Pathogenic (1 of 4 stars; one submission).

Conditions:
Ehlers-Danlos syndrome, type 4 (EDSVASC). Also called: Ehlers-Danlos syndrome vascular type; Ehlers Danlos syndrome, ecchymotic type; Ehlers Danlos syndrome, arterial type; Ehlers Danlos syndrome, Sack-Barabas type; Ehlers-Danlos Syndrome Type IV. Identifiers: Orphanet 286, MedGen C0268338, MONDO:0017314, OMIM 130050.

Submission:

Labcorp Genetics (formerly Invitae), Labcorp
Classification: Pathogenic for Ehlers-Danlos syndrome, type 4. Last evaluated: 2025-05-26. Review status: criteria provided, single submitter. Criteria: Invitae Variant Classification Sherloc (09022015). Collection method: clinical testing. Allele origin: germline.
Comment: This sequence change creates a premature translational stop signal (p.Gly139Valfs*32) in the COL3A1 gene. It is expected to result in an absent or disrupted protein product. Loss-of-function variants in COL3A1 are known to be pathogenic (PMID: 24922459). This variant is not present in population databases (gnomAD no frequency). This variant has not been reported in the literature in individuals affected with COL3A1-related conditions. For these reasons, this variant has been classified as Pathogenic.

Literature cited by the submitters: PubMed 24922459.

NM_000090.4(COL3A1):c.397_413dup (p.Gly139fs)

Gene: COL3A1 (collagen type III alpha 1 chain; plus strand). Cytogenetic location: 2q32.2.
Variant type: Duplication.
Coding change: c.397_413dup on transcript NM_000090.4 (MANE Select); coding-DNA positions 397 to 413, 17 bases duplicated (GGTTCTCCTGGCCCCCC).
Protein change: p.Gly139fs; shifts the reading frame from glycine 139.
Molecular consequence: frameshift variant.
Genome position (GRCh38, 1-based): chr2:188,985,728-188,985,744, GGTTCTCCTGGCCCCCC duplicated. VCF-style (leftmost placement, unchanged base first): chr2-188985727-T-TGGTTCTCCTGGCCCCCC. GRCh37 (hg19) VCF-style: chr2-189850453-T-TGGTTCTCCTGGCCCCCC.
Other names: short protein forms G139fs.
Identifiers: ClinVar variation 4751142 (VCV004751142.1).